The following is an entry in ClinVar:

NM_005090.4(JMJD7-PLA2G4B):c.2883G>A (p.Ser961=)

Genes: JMJD7-PLA2G4B (JMJD7-PLA2G4B readthrough; plus strand), PLA2G4B (phospholipase A2 group IVB; plus strand). Cytogenetic location: 15q15.1.
Variant type: single nucleotide variant.
Coding change: c.2883G>A on transcript NM_005090.4; coding-DNA position 2883, G replaced by A.
Protein change: p.Ser961=; no amino-acid change (serine 961 retained).
Molecular consequence: synonymous variant. On other transcripts: 3 prime UTR variant (1).
Genome position (GRCh38, 1-based): chr15:41,847,704, G>A. VCF-style: chr15-41847704-G-A. GRCh37 (hg19) VCF-style: chr15-42139902-G-A.
Other names: c.2190G>A, p.Ser730= (NM_001114633.2); c.*14G>A (NM_001198588.2).
Identifiers: ClinVar variation 3053598 (VCV003053598.2), dbSNP rs112791822, ClinGen allele CA7500504.

ClinVar aggregate classification (germline): Benign (0 of 4 stars; one submission).

Conditions:
JMJD7-PLA2G4B-related disorder. Also called: JMJD7-PLA2G4B-related condition.

Allele frequency attached by ClinVar (database versions not stated): gnomAD exomes 0.00018; ExAC 0.00083; 1000 Genomes Project 30x 0.00203; 1000 Genomes Project 0.00220; gnomAD 0.00232; ESP Exome Variant Server 0.00261.
gnomAD v4.1: 632 of 1,613,600 alleles (0.039%); highest among the groups gnomAD compares: African/African-American, 0.71%; 1 homozygote.

Submission:

PreventionGenetics, part of Exact Sciences
Classification: Benign for JMJD7-PLA2G4B-related condition. Last evaluated: 2019-04-05. Review status: no assertion criteria provided. Collection method: clinical testing. Allele origin: germline.
Comment: This variant is classified as benign based on ACMG/AMP sequence variant interpretation guidelines (Richards et al. 2015 PMID: 25741868, with internal and published modifications).